The following is an entry in ClinVar:

ClinVar aggregate classification (germline): Uncertain significance. Review status: criteria provided, multiple submitters, no conflicts (2 of 4 stars). 2 submissions from 2 submitters: Uncertain significance (2). Last evaluated 2023-11-14.

Conditions:
Ullrich congenital muscular dystrophy 2 (UCMD2). Identifiers: Orphanet 75840, MedGen C4225314, MONDO:0014654, OMIM 616470.
Bethlem myopathy 2 (BTHLM2). Identifiers: Orphanet 536516, Orphanet 610, MedGen C4225313, MONDO:0034022, OMIM 616471.

Allele frequency attached by ClinVar (database versions not stated): TOPMed below 0.00001; gnomAD exomes 0.00001.
gnomAD v4.1: 5 of 1,546,530 alleles (0.00032%); highest among the groups gnomAD compares: Non-Finnish European, 0.00044%; no homozygotes.

Submissions (2):

Labcorp Genetics (formerly Invitae), Labcorp
Classification: Uncertain significance for Bethlem myopathy 2; Ullrich congenital muscular dystrophy 2. Last evaluated: 2023-11-14. Review status: criteria provided, single submitter. Criteria: Invitae Variant Classification Sherloc (09022015). Collection method: clinical testing. Allele origin: germline.
Comment: This sequence change replaces serine, which is neutral and polar, with cysteine, which is neutral and slightly polar, at codon 1378 of the COL12A1 protein (p.Ser1378Cys). This variant is not present in population databases (gnomAD no frequency). This variant has not been reported in the literature in individuals affected with COL12A1-related conditions. ClinVar contains an entry for this variant (Variation ID: 1020227). Advanced modeling of protein sequence and biophysical properties (such as structural, functional, and spatial information, amino acid conservation, physicochemical variation, residue mobility, and thermodynamic stability) has been performed at Invitae for this missense variant, however the output from this modeling did not meet the statistical confidence thresholds required to predict the impact of this variant on COL12A1 protein function. In summary, the available evidence is currently insufficient to determine the role of this variant in disease. Therefore, it has been classified as a Variant of Uncertain Significance.

Revvity Omics, Revvity
Classification: Uncertain significance. Last evaluated: 2020-03-18. Review status: criteria provided, single submitter. Criteria: ACMG Guidelines, 2015. Collection method: clinical testing. Allele origin: germline.

NM_004370.6(COL12A1):c.4132A>T (p.Ser1378Cys)

Gene: COL12A1 (collagen type XII alpha 1 chain; minus strand). Cytogenetic location: 6q13.
Variant type: single nucleotide variant.
Coding change: c.4132A>T on transcript NM_004370.6 (MANE Select); coding-DNA position 4132, A replaced by T.
Protein change: p.Ser1378Cys; replaces serine 1378 with cysteine.
Molecular consequence: missense variant.
Genome position (GRCh38, 1-based): chr6:75,151,156, T>A on the plus strand (A>T on the coding strand, the complement: COL12A1 is on the minus strand). VCF-style: chr6-75151156-T-A. GRCh37 (hg19) VCF-style: chr6-75860872-T-A.
Other names: c.640A>T, p.Ser214Cys (NM_080645.3); c.4132A>T (NM_004370.5); short protein forms S1378C, S214C.
Identifiers: ClinVar variation 1020227 (VCV001020227.11), dbSNP rs1405840866, ClinGen allele CA364746910.